The following is an entry in ClinVar:

NM_000090.4(COL3A1):c.838G>T (p.Ala280Ser)

Gene: COL3A1 (collagen type III alpha 1 chain; plus strand). Cytogenetic location: 2q32.2.
Variant type: single nucleotide variant.
Coding change: c.838G>T on transcript NM_000090.4 (MANE Select); coding-DNA position 838, G replaced by T.
Protein change: p.Ala280Ser; replaces alanine 280 with serine.
Molecular consequence: missense variant.
Genome position (GRCh38, 1-based): chr2:188,991,043, G>T. VCF-style: chr2-188991043-G-T. GRCh37 (hg19) VCF-style: chr2-189855769-G-T.
Other names: short protein forms A280S.
Identifiers: ClinVar variation 4869172 (VCV004869172.1).
Genomic context (GRCh38, chr2:188,991,043, plus strand): 5'-CTGGTTTTATACATTTCCTAGGGCTTCGATGGACGAAATGGAGAAAAGGGTGAAACAGGT[G>T]CTCCTGGATTAAAGGTAAATCACAACAAAAATCATATTTTCATAAGTAAATTCATTAAAT-3'
Protein context (NP_000081.2, residues 270-290): GRNGEKGETG[Ala280Ser]PGLKGENGLP

ClinVar aggregate classification (germline): Uncertain significance (1 of 4 stars; one submission).

Conditions:
Familial thoracic aortic aneurysm and aortic dissection (TAAD). Also called: Thoracic aortic aneurysms and dissections. Identifiers: Orphanet 91387, MedGen C4707243, MONDO:0019625.

Submission:

Ambry Genetics
Classification: Uncertain significance for Familial thoracic aortic aneurysm and aortic dissection. Last evaluated: 2026-05-14. Review status: criteria provided, single submitter. Criteria: Ambry Variant Classification Scheme 2023. Collection method: clinical testing. Allele origin: germline.
Comment: The p.A280S variant (also known as c.838G>T), located in coding exon 11 of the COL3A1 gene, results from a G to T substitution at nucleotide position 838. The alanine at codon 280 is replaced by serine, an amino acid with similar properties. This amino acid position is conserved. In addition, the in silico prediction for this alteration is inconclusive. Based on the available evidence, the clinical significance of this variant remains unclear.